The following is an entry in ClinVar:

NM_012452.3(TNFRSF13B):c.199+4A>G

Gene: TNFRSF13B (TNF receptor superfamily member 13B; minus strand). Cytogenetic location: 17p11.2.
Variant type: single nucleotide variant.
Coding change: c.199+4A>G on transcript NM_012452.3 (MANE Select); 4 bases into the intron after coding-DNA position 199, A replaced by G.
Molecular consequence: intron variant.
Genome position (GRCh38, 1-based): chr17:16,952,442, T>C on the plus strand (A>G on the coding strand, the complement: TNFRSF13B is on the minus strand). VCF-style: chr17-16952442-T-C. GRCh37 (hg19) VCF-style: chr17-16855756-T-C.
Identifiers: ClinVar variation 1353388 (VCV001353388.7), dbSNP rs370453774, ClinGen allele CA8414088.
Genomic context (GRCh38, chr17:16,952,442, plus strand): 5'-GTGCTCTAGGGAGAAAGGAGGAGGGTGATCACACTGTCCCCTCGGCTCAGGCCCCAGAAC[T>C]CACTGCAGAAGGCTGCACAGGTGCGCTGGCTCTGATGGTTGCAAATGGTTTTGCAGGACA-3'

ClinVar aggregate classification (germline): Uncertain significance. Review status: criteria provided, multiple submitters, no conflicts (2 of 4 stars). 2 submissions from 2 submitters: Uncertain significance (2). Last evaluated 2026-04-23.

Conditions:
Immunodeficiency, common variable, 2 (CVID2). Also called: ANTIBODY DEFICIENCY DUE TO TACI DEFECT; HYPOGAMMAGLOBULINEMIA DUE TO TACI DEFICIENCY. Identifiers: Orphanet 1572, MedGen C3150354, MONDO:0009413, OMIM 240500.

Allele frequency attached by ClinVar (database versions not stated): ESP Exome Variant Server 0.00008; gnomAD exomes below 0.00001 and 0.00001; TOPMed below 0.00001; ExAC 0.00001; gnomAD 0.00001.
gnomAD v4.1: 13 of 1,613,890 alleles (0.00081%); highest among the groups gnomAD compares: African/African-American, 0.0013%; no homozygotes.

Submissions (2):

GeneDx
Classification: Uncertain significance. Last evaluated: 2026-04-23. Review status: criteria provided, single submitter. Criteria: GeneDx Variant Classification Process June 2021. Collection method: clinical testing. Allele origin: germline.
Comment: Has not been previously published as pathogenic or benign to our knowledge; In silico analysis is inconclusive as to whether the variant alters gene splicing. In the absence of RNA/functional studies, the actual effect of this sequence change is unknown.

Labcorp Genetics (formerly Invitae), Labcorp
Classification: Uncertain significance for Immunodeficiency, common variable, 2. Last evaluated: 2021-10-05. Review status: criteria provided, single submitter. Criteria: Invitae Variant Classification Sherloc (09022015). Collection method: clinical testing. Allele origin: germline.
Comment: This sequence change falls in intron 2 of the TNFRSF13B gene. It does not directly change the encoded amino acid sequence of the TNFRSF13B protein. It affects a nucleotide within the consensus splice site of the intron. This variant is present in population databases (rs370453774, ExAC 0.002%). This variant has not been reported in the literature in individuals affected with TNFRSF13B-related conditions. Variants that disrupt the consensus splice site are a relatively common cause of aberrant splicing (PMID: 17576681, 9536098). Algorithms developed to predict the effect of sequence changes on RNA splicing suggest that this variant may disrupt the consensus splice site. In summary, the available evidence is currently insufficient to determine the role of this variant in disease. Therefore, it has been classified as a Variant of Uncertain Significance.

Literature cited by the submitters: PubMed 17576681 (cited by Labcorp Genetics (formerly Invitae), Labcorp); PubMed 9536098 (cited by Labcorp Genetics (formerly Invitae), Labcorp).